The following is an entry in ClinVar:

ClinVar aggregate classification (germline): Uncertain significance (1 of 4 stars; one submission).

Conditions:
Dyskeratosis congenita, autosomal dominant 6 (DKCA6). Identifiers: Orphanet 3322, MedGen C4225284, MONDO:0014690, OMIM 616553.

Submission:

Labcorp Genetics (formerly Invitae), Labcorp
Classification: Uncertain significance for Dyskeratosis congenita, autosomal dominant 6. Last evaluated: 2026-01-18. Review status: criteria provided, single submitter. Criteria: Invitae Variant Classification Sherloc (09022015). Collection method: clinical testing. Allele origin: germline.
Comment: This sequence change replaces arginine, which is basic and polar, with glycine, which is neutral and non-polar, at codon 55 of the ACD protein (p.Arg55Gly). This variant is not present in population databases (gnomAD no frequency). This variant has not been reported in the literature in individuals affected with ACD-related conditions. An algorithm developed to predict the effect of missense changes on protein structure and function (PolyPhen-2) suggests that this variant is likely to be tolerated. In summary, the available evidence is currently insufficient to determine the role of this variant in disease. Therefore, it has been classified as a Variant of Uncertain Significance.

NC_000016.10:g.67660316G>C

Gene: ACD (ACD shelterin complex subunit and telomerase recruitment factor; minus strand). Cytogenetic location: 16q22.1.
Variant type: single nucleotide variant.
Genome position: GRCh38 VCF-style: chr16-67660316-G-C. GRCh37 (hg19) VCF-style: chr16-67694219-G-C.
Identifiers: ClinVar variation 4763048 (VCV004763048.1).